The following is an entry in ClinVar:

ClinVar aggregate classification (germline): Uncertain significance (1 of 4 stars; one submission).

Submission:

Labcorp Genetics (formerly Invitae), Labcorp
Classification: Uncertain significance. Last evaluated: 2022-03-03. Review status: criteria provided, single submitter. Criteria: Invitae Variant Classification Sherloc (09022015). Collection method: clinical testing. Allele origin: germline.
Comment: In summary, the available evidence is currently insufficient to determine the role of this variant in disease. Therefore, it has been classified as a Variant of Uncertain Significance. Experimental studies and prediction algorithms are not available or were not evaluated, and the functional significance of this variant is currently unknown. This variant has not been reported in the literature in individuals affected with LBR-related conditions. This variant is present in population databases (rs760963768, gnomAD 0.01%). This variant, c.256_267del, results in the deletion of 4 amino acid(s) of the LBR protein (p.Ser86_Arg89del), but otherwise preserves the integrity of the reading frame.

NM_002296.4(LBR):c.256_267del (p.Ser86_Arg89del)

Gene: LBR (lamin B receptor; minus strand). Cytogenetic location: 1q42.12.
Variant type: Deletion.
Coding change: c.256_267del on transcript NM_002296.4 (MANE Select); coding-DNA positions 256 to 267, 12 bases deleted (TCCCCTGGTCGA).
Protein change: p.Ser86_Arg89del.
Molecular consequence: inframe deletion.
Genome position (GRCh38, 1-based): chr1:225,422,176-225,422,187, TCGACCAGGGGA deleted on the plus strand (TCCCCTGGTCGA on the coding strand, the reverse complement: LBR is on the minus strand); deleting any 12 consecutive bases within chr1:225,422,176-225,422,190 gives the same sequence; the c. name uses the placement nearest the transcript's 3' end. VCF-style (leftmost placement, unchanged base first): chr1-225422175-GTCGACCAGGGGA-G. GRCh37 (hg19) VCF-style: chr1-225609877-GTCGACCAGGGGA-G.
Other names: c.256_267del, p.Ser86_Arg89del (NM_194442.3).
Identifiers: ClinVar variation 1416249 (VCV001416249.6), dbSNP rs760963768, ClinGen allele CA1417519.